The following is an entry in ClinVar:

NM_005654.6(NR2F1):c.192del (p.Gly65fs)

Genes: NR2F1-AS1 (NR2F1 regulatory antisense RNA 1; minus strand), NR2F1 (nuclear receptor subfamily 2 group F member 1; plus strand). Cytogenetic location: 5q15.
Variant type: Deletion.
Coding change: c.192del on transcript NM_005654.6 (MANE Select); coding-DNA position 192, one base deleted (C; older notation c.192delC).
Protein change: p.Gly65fs; shifts the reading frame from glycine 65.
Molecular consequence: frameshift variant.
Genome position (GRCh38, 1-based): chr5:93,585,215, C deleted; the last of 5 consecutive C bases (chr5:93,585,211-93,585,215); deleting any one gives the same sequence. VCF-style (leftmost placement, unchanged base first): chr5-93585210-AC-A. GRCh37 (hg19) VCF-style: chr5-92920916-AC-A.
Other names: short protein forms G65fs.
Identifiers: ClinVar variation 4886431 (VCV004886431.2).

ClinVar aggregate classification (germline): Likely pathogenic (1 of 4 stars; one submission).

Submission:

Dasa
Classification: Likely pathogenic. Last evaluated: 2025-11-22. Review status: criteria provided, single submitter. Criteria: DASA Assertion Criteria. Collection method: clinical testing. Allele origin: germline.
Comment: NM_005654.6(NR2F1):c.192del (p.Gly65Alafs*54) is a frameshift variant in NR2F1 predicted to alter the reading frame and introduce a premature termination codon and is predicted to result in an absent or altered protein product. Loss of function is an established disease mechanism for NR2F1 (PMID: 32275123; PMID: 23300014; PMID: 32712214). Also, this variant is rare in population databases. Based on the currently available evidence, this variant is classified as likely pathogenic.

Literature cited by the submitters: PubMed 32275123; PubMed 23300014; PubMed 32712214.